The following is an entry in ClinVar:

NM_007254.4(PNKP):c.1219A>C (p.Thr407Pro)

Gene: PNKP (polynucleotide kinase 3'-phosphatase; minus strand). Cytogenetic location: 19q13.33.
Variant type: single nucleotide variant.
Coding change: c.1219A>C on transcript NM_007254.4 (MANE Select); coding-DNA position 1219, A replaced by C.
Protein change: p.Thr407Pro; replaces threonine 407 with proline.
Molecular consequence: missense variant.
Genome position (GRCh38, 1-based): chr19:49,861,851, T>G on the plus strand (A>C on the coding strand, the complement: PNKP is on the minus strand). VCF-style: chr19-49861851-T-G. GRCh37 (hg19) VCF-style: chr19-50365108-T-G.
Other names: short protein forms T407P.
Identifiers: ClinVar variation 642167 (VCV000642167.8), dbSNP rs199652836, ClinGen allele CA9586511.

ClinVar aggregate classification (germline): Uncertain significance (1 of 4 stars; one submission).

Conditions:
Developmental and epileptic encephalopathy, 12 (DEE12). Identifiers: MedGen C3150988, MONDO:0013389, OMIM 613722.

Allele frequency attached by ClinVar (database versions not stated): gnomAD 0.00001 and 0.00003; gnomAD exomes 0.00001 and 0.00002; TOPMed 0.00003; ExAC 0.00006; 1000 Genomes Project 30x 0.00047; 1000 Genomes Project 0.00060.
gnomAD v4.1: 17 of 1,594,162 alleles (0.0011%); highest among the groups gnomAD compares: East Asian, 0.039%; no homozygotes.

Submission:

Labcorp Genetics (formerly Invitae), Labcorp
Classification: Uncertain significance for Developmental and epileptic encephalopathy, 12. Last evaluated: 2021-09-02. Review status: criteria provided, single submitter. Criteria: Invitae Variant Classification Sherloc (09022015). Collection method: clinical testing. Allele origin: germline.
Comment: This sequence change replaces threonine with proline at codon 407 of the PNKP protein (p.Thr407Pro). The threonine residue is moderately conserved and there is a small physicochemical difference between threonine and proline. This variant is present in population databases (rs199652836, ExAC 0.1%). This variant has not been reported in the literature in individuals affected with PNKP-related conditions. Algorithms developed to predict the effect of missense changes on protein structure and function are either unavailable or do not agree on the potential impact of this missense change (SIFT: "Deleterious"; PolyPhen-2: "Benign"; Align-GVGD: "Class C0"). In summary, the available evidence is currently insufficient to determine the role of this variant in disease. Therefore, it has been classified as a Variant of Uncertain Significance.